The following is an entry in ClinVar:

ClinVar aggregate classification (germline): Pathogenic (1 of 4 stars; one submission).

Conditions:
Mevalonic aciduria (MEVA). Identifiers: Orphanet 29, MedGen C1959626, MONDO:0012481, OMIM 610377.
Porokeratosis 3, disseminated superficial actinic type (POROK3). Also called: POROKERATOSIS 3, MULTIPLE TYPES; POROKERATOSIS 3, MIBELLI TYPE; POROKERATOSIS, DISSEMINATED SUPERFICIAL ACTINIC, 1. Identifiers: MedGen C1867981, MONDO:0008293, OMIM 175900.
Hyperimmunoglobulin D with periodic fever (HIDS). Also called: Hyperimmunoglobulinemia D; Hyperimmunoglobulinemia D with periodic fever; HYPERIMMUNOGLOBULINEMIA D AND PERIODIC FEVER SYNDROME. Identifiers: Orphanet 343, MedGen C0398691, MONDO:0009849, OMIM 260920.

Submission:

Labcorp Genetics (formerly Invitae), Labcorp
Classification: Pathogenic for Mevalonic aciduria; Hyperimmunoglobulin D with periodic fever; Porokeratosis 3, disseminated superficial actinic type. Last evaluated: 2023-06-23. Review status: criteria provided, single submitter. Criteria: Invitae Variant Classification Sherloc (09022015). Collection method: clinical testing. Allele origin: germline.
Comment: This sequence change creates a premature translational stop signal (p.Lys238*) in the MVK gene. It is expected to result in an absent or disrupted protein product. Loss-of-function variants in MVK are known to be pathogenic (PMID: 16835861, 17105862, 23834120). This variant is not present in population databases (gnomAD no frequency). This variant has not been reported in the literature in individuals affected with MVK-related conditions. Algorithms developed to predict the effect of sequence changes on RNA splicing suggest that this variant may disrupt the consensus splice site. For these reasons, this variant has been classified as Pathogenic.

Literature cited by the submitters: PubMed 16835861; PubMed 17105862; PubMed 23834120.

NM_000431.4(MVK):c.712A>T (p.Lys238Ter)

Gene: MVK (mevalonate kinase; plus strand). Cytogenetic location: 12q24.11.
Variant type: single nucleotide variant.
Coding change: c.712A>T on transcript NM_000431.4 (MANE Select); coding-DNA position 712, A replaced by T.
Protein change: p.Lys238Ter; replaces lysine 238 with a stop codon.
Molecular consequence: nonsense. On other transcripts: non-coding transcript variant (3).
Genome position (GRCh38, 1-based): chr12:109,590,805, A>T. VCF-style: chr12-109590805-A-T. GRCh37 (hg19) VCF-style: chr12-110028610-A-T.
Other names: c.712A>T, p.Lys238Ter (NM_001114185.3, NM_001414511.1, NM_001414513.1); c.556A>T, p.Lys186Ter (NM_001301182.2, NM_001414514.1); c.787A>T, p.Lys263Ter (NM_001414512.1); c.130A>T, p.Lys44Ter (NM_001414515.1); short protein forms K44*, K186*, K238*, K263*.
Identifiers: ClinVar variation 2949233 (VCV002949233.3), dbSNP rs1191193699, ClinGen allele CA386649036.
Genomic context (GRCh38, chr12:109,590,805, plus strand): 5'-GGACCTGCCTCCTCTTCACCCTGCAGGTCGCCAGCTCTCCAGATCCTGCTGACCAACACC[A>T]AAGTCCCTCGCAATACCAGGGCCCTTGTGGCTGGCGTCAGAAACAGGCTGCTCAAGGTGA-3'